The following is an entry in ClinVar:

NC_000022.11:g.(?_29636741)_(29639222_?)del

Gene: NF2 (NF2, moesin-ezrin-radixin like (MERLIN) tumor suppressor; plus strand). Cytogenetic location: 22q12.2.
Variant type: Deletion.
Identifiers: ClinVar variation 665033 (VCV000665033.1).

ClinVar aggregate classification (germline): Pathogenic (1 of 4 stars; one submission).

Conditions:
Neurofibromatosis, type 2 (SWNV). Also called: BILATERAL ACOUSTIC NEUROFIBROMATOSIS; SCHWANNOMATOSIS, VESTIBULAR; NF2-Related Schwannomatosis. Identifiers: Orphanet 637, MedGen C0027832, MONDO:0007039, OMIM 101000. Disease mechanism: loss of function.

Submission:

Labcorp Genetics (formerly Invitae), Labcorp
Classification: Pathogenic for Neurofibromatosis, type 2. Last evaluated: 2018-08-28. Review status: criteria provided, single submitter. Criteria: Invitae Variant Classification Sherloc (09022015). Collection method: clinical testing. Allele origin: germline.
Comment: This variant is an in-frame deletion of the genomic region encompassing exons 2-3 of the NF2 gene. It preserves the integrity of the reading frame. Similar or smaller deletions in the same region have been observed in individuals with neurofibromatosis type 2 (PMID: 19968670, Invitae). For these reasons, this variant has been classified as Pathogenic.

Literature cited by the submitters: PubMed 19968670.